The following is an entry in ClinVar:

NM_014491.4(FOXP2):c.1168del (p.Gln390fs)

Gene: FOXP2 (forkhead box P2; plus strand). Cytogenetic location: 7q31.1.
Variant type: Deletion.
Coding change: c.1168del on transcript NM_014491.4 (MANE Select); coding-DNA position 1168, one base deleted (C; older notation c.1168delC).
Protein change: p.Gln390fs; shifts the reading frame from glutamine 390.
Molecular consequence: frameshift variant. On other transcripts: non-coding transcript variant (2).
Genome position (GRCh38, 1-based): chr7:114,652,276, C deleted. VCF-style (leftmost placement, unchanged base first): chr7-114652275-AC-A. GRCh37 (hg19) VCF-style: chr7-114292330-AC-A.
Other names: c.1165del, p.Gln389fs (NM_001172766.3); c.1243del, p.Gln415fs (NM_001172767.2, NM_148898.4); c.1168del, p.Gln390fs (NM_148899.3); c.1219del, p.Gln407fs (NM_148900.4); short protein forms Q389fs, Q390fs, Q407fs, Q415fs.
Identifiers: ClinVar variation 1098372 (VCV001098372.2), dbSNP rs2129337870, ClinGen allele CA2499218659.
Genomic context (GRCh38, chr7:114,652,275, plus strand): 5'-TGAACACGCATTGGATGACCGAAGCACTGCTCAGTGTCGAGTGCAAATGCAGGTGGTGCA[AC>A]AGTTAGAAATACAGGTTTGTTAAATGCTCACTTAATGGACTCTTCTTAGATTTCTGGTGT-3'

ClinVar aggregate classification (germline): Pathogenic (1 of 4 stars; one submission).

Submission:

Genetics Laboratory, UDIAT-Centre Diagnòstic, Hospital Universitari Parc Tauli
Classification: Pathogenic. Last evaluated: 2021-04-26. Review status: criteria provided, single submitter. Criteria: Parc Tauli Hospital Assertion Criteria 2021. Collection method: clinical testing. Allele origin: maternal. Inheritance: Autosomal dominant inheritance. Affected: yes. Observed: 1 heterozygote.
Comment: PVS1_very strong;PM2_supporting;PP3_supporting